The following is an entry in ClinVar:

ClinVar aggregate classification (germline): Uncertain significance (1 of 4 stars; one submission).

Conditions:
ALG11-congenital disorder of glycosylation. Also called: CONGENITAL DISORDER OF GLYCOSYLATION, TYPE Ip; ALG11-CDG. Identifiers: Orphanet 280071, MedGen C3150913, MONDO:0013349, OMIM 613661.

Allele frequency attached by ClinVar (database versions not stated): TOPMed 0.00002.
gnomAD v4.1: 26 of 1,614,224 alleles (0.0016%); highest among the groups gnomAD compares: Non-Finnish European, 0.0021%; no homozygotes.

Submission:

Baylor Genetics
Classification: Uncertain significance for ALG11-congenital disorder of glycosylation. Last evaluated: 2019-02-15. Review status: criteria provided, single submitter. Criteria: ACMG Guidelines, 2015. Collection method: clinical testing. Allele origin: unknown. Affected: yes.
Comment: This variant was determined to be of uncertain significance according to ACMG Guidelines, 2015 [PMID:25741868].

NM_001004127.3(ALG11):c.991G>T (p.Val331Phe)

Genes: ALG11 (ALG11 alpha-1,2-mannosyltransferase; plus strand), UTP14C (UTP14C small subunit processome component; plus strand). Cytogenetic location: 13q14.3.
Variant type: single nucleotide variant.
Coding change: c.991G>T on transcript NM_001004127.3 (MANE Select); coding-DNA position 991, G replaced by T.
Protein change: p.Val331Phe; replaces valine 331 with phenylalanine.
Molecular consequence: missense variant. On other transcripts: 5 prime UTR variant (1).
Genome position (GRCh38, 1-based): chr13:52,024,721, G>T. VCF-style: chr13-52024721-G-T. GRCh37 (hg19) VCF-style: chr13-52598857-G-T.
Other names: c.-703G>T (NM_021645.6); short protein forms V331F.
Identifiers: ClinVar variation 1028908 (VCV001028908.1), dbSNP rs750430228, ClinGen allele CA388017657.